The following is an entry in ClinVar:

NM_001177316.2(SLC34A3):c.925+10G>A

Gene: SLC34A3 (solute carrier family 34 member 3; plus strand). Cytogenetic location: 9q34.3.
Variant type: single nucleotide variant.
Coding change: c.925+10G>A on transcript NM_001177316.2 (MANE Select); 10 bases into the intron after coding-DNA position 925, G replaced by A.
Molecular consequence: intron variant.
Genome position (GRCh38, 1-based): chr9:137,233,951, G>A. VCF-style: chr9-137233951-G-A. GRCh37 (hg19) VCF-style: chr9-140128403-G-A.
Other names: p.?; c.925+10G>A (NM_001177317.2, NM_080877.3, NM_080877.2).
Identifiers: ClinVar variation 2885846 (VCV002885846.4), dbSNP rs781750271, ClinGen allele CA5364659.

ClinVar aggregate classification (germline): Likely benign. Review status: criteria provided, multiple submitters, no conflicts (2 of 4 stars). 2 submissions from 2 submitters: Likely benign (2). Last evaluated 2025-09-05.

Allele frequency attached by ClinVar (database versions not stated): gnomAD exomes 0.00002; ExAC 0.00003; gnomAD 0.00006.
gnomAD v4.1: 46 of 1,537,914 alleles (0.003%); highest among the groups gnomAD compares: African/African-American, 0.025%; no homozygotes.

Submissions (2):

Mayo Clinic Laboratories, Mayo Clinic
Classification: Likely benign. Last evaluated: 2025-09-05. Review status: criteria provided, single submitter. Criteria: ACMG Guidelines, 2015. Collection method: clinical testing. Allele origin: germline. Observed: 1 variant allele.
Comment: BP4, BP7

Labcorp Genetics (formerly Invitae), Labcorp
Classification: Likely benign. Last evaluated: 2023-05-23. Review status: criteria provided, single submitter. Criteria: Invitae Variant Classification Sherloc (09022015). Collection method: clinical testing. Allele origin: germline.

Literature cited by the submitters: PubMed 31672324 (cited by Mayo Clinic Laboratories, Mayo Clinic).